The following is an entry in ClinVar:

ClinVar aggregate classification (germline): Uncertain significance (1 of 4 stars; one submission).

Conditions:
Gastrointestinal stromal tumor. Also called: Gastrointestinal stromal tumor, somatic; Gastrointestinal stroma tumor. Identifiers: Orphanet 44890, MedGen C0238198, MeSH D046152, MONDO:0011719, OMIM 606764, HP:0100723.

Allele frequency attached by ClinVar (database versions not stated): gnomAD exomes below 0.00001.
gnomAD v4.1: 1 of 1,613,088 alleles (0.000062%); highest among the groups gnomAD compares: Non-Finnish European, 0.000085%; no homozygotes.

Submission:

Labcorp Genetics (formerly Invitae), Labcorp
Classification: Uncertain significance for Gastrointestinal stromal tumor. Last evaluated: 2020-09-17. Review status: criteria provided, single submitter. Criteria: Invitae Variant Classification Sherloc (09022015). Collection method: clinical testing. Allele origin: germline.
Comment: In summary, the available evidence is currently insufficient to determine the role of this variant in disease. Therefore, it has been classified as a Variant of Uncertain Significance. Algorithms developed to predict the effect of missense changes on protein structure and function (SIFT, PolyPhen-2, Align-GVGD) all suggest that this variant is likely to be tolerated, but these predictions have not been confirmed by published functional studies and their clinical significance is uncertain. This variant has not been reported in the literature in individuals with PDGFRA-related conditions. This variant is not present in population databases (ExAC no frequency). This sequence change replaces methionine with threonine at codon 218 of the PDGFRA protein (p.Met218Thr). The methionine residue is moderately conserved and there is a moderate physicochemical difference between methionine and threonine.

NM_006206.6(PDGFRA):c.653T>C (p.Met218Thr)

Gene: PDGFRA (platelet derived growth factor receptor alpha; plus strand). Cytogenetic location: 4q12.
Variant type: single nucleotide variant.
Coding change: c.653T>C on transcript NM_006206.6 (MANE Select); coding-DNA position 653, T replaced by C.
Protein change: p.Met218Thr; replaces methionine 218 with threonine.
Molecular consequence: missense variant.
Genome position (GRCh38, 1-based): chr4:54,264,943, T>C. VCF-style: chr4-54264943-T-C. GRCh37 (hg19) VCF-style: chr4-55131110-T-C.
Other names: c.653T>C, p.Met218Thr (NM_001347827.2, NM_001347829.2); c.728T>C, p.Met243Thr (NM_001347828.2); c.692T>C, p.Met231Thr (NM_001347830.2); short protein forms M218T, M231T, M243T.
Identifiers: ClinVar variation 1002176 (VCV001002176.9), dbSNP rs1577711303, ClinGen allele CA356890762.